The following is an entry in ClinVar:

ClinVar aggregate classification (germline): Uncertain significance. Review status: criteria provided, multiple submitters, no conflicts (2 of 4 stars). 3 submissions from 3 submitters: Uncertain significance (3). Last evaluated 2024-07-09.

Conditions:
Hereditary cancer-predisposing syndrome. Also called: Tumor predisposition; Neoplastic Syndromes, Hereditary; Hereditary Cancer Syndrome; Hereditary neoplastic syndrome. Identifiers: Orphanet 140162, MedGen C0027672, MeSH D009386, MONDO:0015356.
Ataxia-telangiectasia syndrome (AT). Also called: ATAXIA-TELANGIECTASIA, COMPLEMENTATION GROUP A; ATAXIA-TELANGIECTASIA, FRESNO VARIANT; Ataxia-telangiectasia; Ataxia-telangiectasia, complementation group D; AT, COMPLEMENTATION GROUP C; Ataxia-telangiectasia, complementation group E. Identifiers: Orphanet 100, MedGen C0004135, MONDO:0008840, OMIM 208900.

gnomAD v4.1: 4 of 1,613,152 alleles (0.00025%); highest among the groups gnomAD compares: South Asian, 0.0044%; no homozygotes.

Submissions (3):

Labcorp Genetics (formerly Invitae), Labcorp
Classification: Uncertain significance for Ataxia-telangiectasia syndrome. Last evaluated: 2024-07-09. Review status: criteria provided, single submitter. Criteria: Invitae Variant Classification Sherloc (09022015). Collection method: clinical testing. Allele origin: germline.
Comment: This sequence change replaces glutamic acid, which is acidic and polar, with lysine, which is basic and polar, at codon 2014 of the ATM protein (p.Glu2014Lys). This variant is present in population databases (rs375783941, gnomAD 0.01%). This variant has not been reported in the literature in individuals affected with ATM-related conditions. ClinVar contains an entry for this variant (Variation ID: 826153). An algorithm developed to predict the effect of missense changes on protein structure and function (PolyPhen-2) suggests that this variant is likely to be disruptive. In summary, the available evidence is currently insufficient to determine the role of this variant in disease. Therefore, it has been classified as a Variant of Uncertain Significance.

GeneDx
Classification: Uncertain significance. Last evaluated: 2019-07-24. Review status: criteria provided, single submitter. Criteria: GeneDx Variant Classification Process June 2021. Collection method: clinical testing. Allele origin: germline. Affected: yes.
Comment: Not observed at a significant frequency in large population cohorts (Lek et al., 2016); In silico analysis, which includes protein predictors and evolutionary conservation, supports a deleterious effect; Has not been previously published as pathogenic or benign to our knowledge

Ambry Genetics
Classification: Uncertain significance for Hereditary cancer-predisposing syndrome. Last evaluated: 2019-02-25. Review status: criteria provided, single submitter. Criteria: Ambry Variant Classification Scheme 2023. Collection method: clinical testing. Allele origin: germline.
Comment: The p.E2014K variant (also known as c.6040G>A), located in coding exon 40 of the ATM gene, results from a G to A substitution at nucleotide position 6040. The glutamic acid at codon 2014 is replaced by lysine, an amino acid with similar properties. This amino acid position is highly conserved in available vertebrate species. In addition, this alteration is predicted to be deleterious by in silico analysis. Since supporting evidence is limited at this time, the clinical significance of this alteration remains unclear.

NM_000051.4(ATM):c.6040G>A (p.Glu2014Lys)

Genes: ATM (ATM serine/threonine kinase; plus strand), C11orf65 (chromosome 11 open reading frame 65; minus strand). Cytogenetic location: 11q22.3.
Variant type: single nucleotide variant.
Coding change: c.6040G>A on transcript NM_000051.4 (MANE Select); coding-DNA position 6040, G replaced by A.
Protein change: p.Glu2014Lys; replaces glutamic acid 2014 with lysine.
Molecular consequence: missense variant. On other transcripts: intron variant (2).
Genome position (GRCh38, 1-based): chr11:108,315,856, G>A. VCF-style: chr11-108315856-G-A. GRCh37 (hg19) VCF-style: chr11-108186583-G-A.
Other names: c.6040G>A, p.Glu2014Lys (NM_001351834.2); c.641-6785C>T (NM_001330368.2); c.*39-6785C>T (NM_001351110.2); short protein forms E2014K.
Identifiers: ClinVar variation 826153 (VCV000826153.15), dbSNP rs375783941, ClinGen allele CA6265839.
Genomic context (GRCh38, chr11:108,315,856, plus strand): 5'-CAATTTTTGTTGTTTCCATGTTTTCAGGATCTTCTCTTAGAAATCTACAGAAGTATAGGG[G>A]AGCCAGATAGTTTGTATGGCTGTGGTGGAGGGAAGATGTTACAACCCATTACTAGGTAAA-3'
Protein context (NP_000042.3, residues 2004-2024): LLLEIYRSIG[Glu2014Lys]PDSLYGCGGG